The following is an entry in ClinVar:

ClinVar aggregate classification (germline): Uncertain significance (1 of 4 stars; one submission).

Conditions:
SALL4-Related Disorders. Also called: SALL4-related condition; SALL4-related disorder. Identifiers: MedGen CN381056.

Submission:

PreventionGenetics, part of Exact Sciences
Classification: Uncertain significance for SALL4-related condition. Last evaluated: 2022-10-30. Review status: criteria provided, single submitter. Criteria: ACMG Guidelines, 2015. Collection method: clinical testing. Allele origin: germline.
Comment: The SALL4 c.2594G>T variant is predicted to result in the amino acid substitution p.Arg865Leu. To our knowledge, this variant has not been reported in the literature or in a large population database, indicating this variant is rare. At this time, the clinical significance of this variant is uncertain due to the absence of conclusive functional and genetic evidence.

NM_020436.5(SALL4):c.2594G>T (p.Arg865Leu)

Gene: SALL4 (spalt like transcription factor 4; minus strand). Cytogenetic location: 20q13.2.
Variant type: single nucleotide variant.
Coding change: c.2594G>T on transcript NM_020436.5 (MANE Select); coding-DNA position 2594, G replaced by T.
Protein change: p.Arg865Leu; replaces arginine 865 with leucine.
Molecular consequence: missense variant.
Genome position (GRCh38, 1-based): chr20:51,789,009, C>A on the plus strand (G>T on the coding strand, the complement: SALL4 is on the minus strand). VCF-style: chr20-51789009-C-A. GRCh37 (hg19) VCF-style: chr20-50405548-C-A.
Other names: c.1283G>T, p.Arg428Leu (NM_001318031.2); short protein forms R428L, R865L.
Identifiers: ClinVar variation 2635209 (VCV002635209.1), dbSNP rs1317124266, ClinGen allele CA409006764.